The following is an entry in ClinVar:

NM_004612.4(TGFBR1):c.419C>T (p.Ser140Leu)

Gene: TGFBR1 (transforming growth factor beta receptor 1; plus strand). Cytogenetic location: 9q22.33.
Variant type: single nucleotide variant.
Coding change: c.419C>T on transcript NM_004612.4 (MANE Select); coding-DNA position 419, C replaced by T.
Protein change: p.Ser140Leu; replaces serine 140 with leucine.
Molecular consequence: missense variant. On other transcripts: intron variant (1).
Genome position (GRCh38, 1-based): chr9:99,132,584, C>T. VCF-style: chr9-99132584-C-T. GRCh37 (hg19) VCF-style: chr9-101894866-C-T.
Other names: c.431C>T, p.Ser144Leu (NM_001306210.2); c.343+3484C>T (NM_001130916.3); short protein forms S140L, S144L.
Identifiers: ClinVar variation 391489 (VCV000391489.12), dbSNP rs1057524105, ClinGen allele CA16605791.

ClinVar aggregate classification (germline): Uncertain significance. Review status: criteria provided, multiple submitters, no conflicts (2 of 4 stars). 3 submissions from 3 submitters: Uncertain significance (3). Last evaluated 2025-02-11.

Conditions:
Familial thoracic aortic aneurysm and aortic dissection (TAAD). Also called: Thoracic aortic aneurysms and dissections. Identifiers: Orphanet 91387, MedGen C4707243, MONDO:0019625.

Allele frequency attached by ClinVar (database versions not stated): gnomAD exomes below 0.00001.
gnomAD v4.1: 1 of 1,614,212 alleles (0.000062%); highest among the groups gnomAD compares: East Asian, 0.0022%; no homozygotes.

Submissions (3):

GeneDx
Classification: Uncertain significance. Last evaluated: 2025-02-11. Review status: criteria provided, single submitter. Criteria: GeneDx Variant Classification Process June 2021. Collection method: clinical testing. Allele origin: germline. Affected: yes.
Comment: Not observed at significant frequency in large population cohorts (gnomAD); In silico analysis indicates that this missense variant does not alter protein structure/function; Has not been previously published as pathogenic or benign to our knowledge

Labcorp Genetics (formerly Invitae), Labcorp
Classification: Uncertain significance for Familial thoracic aortic aneurysm and aortic dissection. Last evaluated: 2024-09-24. Review status: criteria provided, single submitter. Criteria: Invitae Variant Classification Sherloc (09022015). Collection method: clinical testing. Allele origin: germline.
Comment: This sequence change replaces serine, which is neutral and polar, with leucine, which is neutral and non-polar, at codon 140 of the TGFBR1 protein (p.Ser140Leu). This variant is not present in population databases (gnomAD no frequency). This variant has not been reported in the literature in individuals affected with TGFBR1-related conditions. ClinVar contains an entry for this variant (Variation ID: 391489). Invitae Evidence Modeling of protein sequence and biophysical properties (such as structural, functional, and spatial information, amino acid conservation, physicochemical variation, residue mobility, and thermodynamic stability) indicates that this missense variant is not expected to disrupt TGFBR1 protein function with a negative predictive value of 95%. In summary, the available evidence is currently insufficient to determine the role of this variant in disease. Therefore, it has been classified as a Variant of Uncertain Significance.

Ambry Genetics
Classification: Uncertain significance for Familial thoracic aortic aneurysm and aortic dissection. Last evaluated: 2016-08-11. Review status: criteria provided, single submitter. Criteria: Ambry Variant Classification Scheme 2023. Collection method: clinical testing. Allele origin: germline.
Comment: The p.S140L variant (also known as c.419C>T), located in coding exon 3 of the TGFBR1 gene, results from a C to T substitution at nucleotide position 419. The serine at codon 140 is replaced by leucine, an amino acid with dissimilar properties, and is located in the transmembrane domain. This variant was not reported in population based cohorts in the following databases: Database of Single Nucleotide Polymorphisms (dbSNP), NHLBI Exome Sequencing Project (ESP), and 1000 Genomes Project. In the ESP, this variant was not observed in 6503 samples (13006 alleles) with coverage at this position. This amino acid position is not well conserved in available vertebrate species, and leucine is the reference amino acid in other vertebrate species. In addition, this alteration is predicted to be tolerated by in silico analysis. Since supporting evidence is limited at this time, the clinical significance of this alteration remains unclear.